The following is an entry in ClinVar:

NM_144992.5(VWA3B):c.3068C>G (p.Pro1023Arg)

Gene: VWA3B (von Willebrand factor A domain containing 3B; plus strand). Cytogenetic location: 2q11.2.
Variant type: single nucleotide variant.
Coding change: c.3068C>G on transcript NM_144992.5 (MANE Select); coding-DNA position 3068, C replaced by G.
Protein change: p.Pro1023Arg; replaces proline 1023 with arginine.
Molecular consequence: missense variant. On other transcripts: non-coding transcript variant (1).
Genome position (GRCh38, 1-based): chr2:98,290,533, C>G. VCF-style: chr2-98290533-C-G. GRCh37 (hg19) VCF-style: chr2-98906996-C-G.
Other names: c.2039C>G, p.Pro680Arg (NM_001345864.2); short protein forms P680R, P1023R.
Identifiers: ClinVar variation 1034286 (VCV001034286.2), dbSNP rs779799210, ClinGen allele CA1793175.

ClinVar aggregate classification (germline): Uncertain significance. Review status: criteria provided, multiple submitters, no conflicts (2 of 4 stars). 2 submissions from 2 submitters: Uncertain significance (2). Last evaluated 2018-02-16.

Conditions:
Spinocerebellar ataxia, autosomal recessive 22 (SCAR22). Identifiers: MedGen C4310781, MONDO:0014845, OMIM 616948.

Allele frequency attached by ClinVar (database versions not stated): gnomAD below 0.00001 and 0.00011; TOPMed 0.00002; gnomAD exomes 0.00026 and 0.00041; ExAC 0.00057.
gnomAD v4.1: 382 of 1,579,684 alleles (0.024%); highest among the groups gnomAD compares: South Asian, 0.44%; 4 homozygotes.

Submissions (2):

Baylor Genetics
Classification: Uncertain significance for Spinocerebellar ataxia, autosomal recessive 22. Last evaluated: 2018-02-16. Review status: criteria provided, single submitter. Criteria: ACMG Guidelines, 2015. Collection method: clinical testing. Allele origin: maternal. Affected: yes.
Comment: This variant was determined to be of uncertain significance according to ACMG Guidelines, 2015 [PMID:25741868].

Breakthrough Genomics
Classification: Uncertain significance. Review status: criteria provided, single submitter. Criteria: ACMG Guidelines, 2015. Collection method: not provided. Allele origin: germline. Inheritance: Autosomal recessive inheritance. Affected: yes.